The following is an entry in ClinVar:

NM_052867.4(NALCN):c.2570G>A (p.Arg857His)

Gene: NALCN (sodium leak channel, non-selective; minus strand). Cytogenetic location: 13q33.1.
Variant type: single nucleotide variant.
Coding change: c.2570G>A on transcript NM_052867.4 (MANE Select); coding-DNA position 2570, G replaced by A.
Protein change: p.Arg857His; replaces arginine 857 with histidine.
Molecular consequence: missense variant.
Genome position (GRCh38, 1-based): chr13:101,107,496, C>T on the plus strand (G>A on the coding strand, the complement: NALCN is on the minus strand). VCF-style: chr13-101107496-C-T. GRCh37 (hg19) VCF-style: chr13-101759847-C-T.
Other names: c.2570G>A (NM_052867.2); c.2657G>A, p.Arg886His (NM_001350748.2); c.2570G>A, p.Arg857His (NM_001350749.2); c.2483G>A, p.Arg828His (NM_001350750.2, NM_001350751.2); short protein forms R828H, R857H, R886H.
Identifiers: ClinVar variation 3714396 (VCV003714396.4).

ClinVar aggregate classification (germline): Uncertain significance. Review status: criteria provided, multiple submitters, no conflicts (2 of 4 stars). 3 submissions from 3 submitters: Uncertain significance (3). Last evaluated 2026-02-15.

Conditions:
Congenital contractures of the limbs and face, hypotonia, and developmental delay (CLIFAHDD). Identifiers: Orphanet 562528, MedGen C4225398, MONDO:0014556, OMIM 616266.
Hypotonia, infantile, with psychomotor retardation and characteristic facies 1 (INNFD). Identifiers: Orphanet 371364, Orphanet 700336, MedGen C3809454, MONDO:0024567, OMIM 615419.

gnomAD v4.1: 37 of 1,614,094 alleles (0.0023%); highest among the groups gnomAD compares: East Asian, 0.0045%; no homozygotes.

Submissions (3):

GeneDx
Classification: Uncertain significance. Last evaluated: 2026-02-15. Review status: criteria provided, single submitter. Criteria: GeneDx Variant Classification Process June 2021. Collection method: clinical testing. Allele origin: germline.
Comment: In silico analysis supports that this missense variant has a deleterious effect on protein structure/function; Has not been previously published as pathogenic or benign to our knowledge

Labcorp Genetics (formerly Invitae), Labcorp
Classification: Uncertain significance. Last evaluated: 2024-09-18. Review status: criteria provided, single submitter. Criteria: Invitae Variant Classification Sherloc (09022015). Collection method: clinical testing. Allele origin: germline.
Comment: This sequence change replaces arginine, which is basic and polar, with histidine, which is basic and polar, at codon 857 of the NALCN protein (p.Arg857His). This variant is present in population databases (rs200265303, gnomAD 0.006%). This variant has not been reported in the literature in individuals affected with NALCN-related conditions. Invitae Evidence Modeling of protein sequence and biophysical properties (such as structural, functional, and spatial information, amino acid conservation, physicochemical variation, residue mobility, and thermodynamic stability) indicates that this missense variant is not expected to disrupt NALCN protein function with a negative predictive value of 80%. In summary, the available evidence is currently insufficient to determine the role of this variant in disease. Therefore, it has been classified as a Variant of Uncertain Significance.

Department of Pathology and Laboratory Medicine, Sinai Health System
Classification: Uncertain significance for Hypotonia, infantile, with psychomotor retardation and characteristic facies 1; Congenital contractures of the limbs and face, hypotonia, and developmental delay. Last evaluated: 2020-05-31. Review status: criteria provided, single submitter. Criteria: ACMG Guidelines, 2015. Collection method: research. Allele origin: germline.